The following is an entry in ClinVar:

ClinVar aggregate classification (germline): Uncertain significance (1 of 4 stars; one submission).

Submission:

Dasa
Classification: Uncertain significance. Last evaluated: 2024-12-06. Review status: criteria provided, single submitter. Criteria: DASA Assertion Criteria. Collection method: clinical testing. Allele origin: germline.
Comment: NM_022041.4(GAN):c.170C>G (p.Thr57Arg) is a missense variant that results in the substitution of threonine with arginine. This variant is absent from population databases. The currently available literature and clinical evidence are not sufficient to establish a definitive association between this variant and the reported condition. Therefore, this variant is classified as a variant of uncertain significance.

NM_022041.4(GAN):c.170C>G (p.Thr57Arg)

Gene: GAN (gigaxonin; plus strand). Cytogenetic location: 16q23.2.
Variant type: single nucleotide variant.
Coding change: c.170C>G on transcript NM_022041.4 (MANE Select); coding-DNA position 170, C replaced by G.
Protein change: p.Thr57Arg; replaces threonine 57 with arginine.
Molecular consequence: missense variant. On other transcripts: intron variant (1).
Genome position (GRCh38, 1-based): chr16:81,351,585, C>G. VCF-style: chr16-81351585-C-G. GRCh37 (hg19) VCF-style: chr16-81385190-C-G.
Other names: c.-357-2820C>G (NM_001377486.1); short protein forms T57R.
Identifiers: ClinVar variation 5021035 (VCV005021035.1).